The following is an entry in ClinVar:

ClinVar aggregate classification (germline): Uncertain significance (1 of 4 stars; one submission).

Conditions:
Inborn genetic diseases. Identifiers: MedGen C0950123, MeSH D030342.

Submission:

Ambry Genetics
Classification: Uncertain significance for Inborn genetic diseases. Last evaluated: 2026-09-07. Review status: criteria provided, single submitter. Criteria: Ambry Variant Classification Scheme 2023. Collection method: clinical testing. Allele origin: germline.
Comment: The p.N427S variant (also known as c.1280A>G), located in coding exon 1 of the SAMD9L gene, results from an A to G substitution at nucleotide position 1280. The asparagine at codon 427 is replaced by serine, an amino acid with highly similar properties. This amino acid position is conserved. In addition, this alteration is predicted to be tolerated by in silico analysis. Based on the available evidence, the clinical significance of this variant remains unclear.

NM_152703.5(SAMD9L):c.1280A>G (p.Asn427Ser)

Gene: SAMD9L (sterile alpha motif domain containing 9 like; minus strand). Cytogenetic location: 7q21.2.
Variant type: single nucleotide variant.
Coding change: c.1280A>G on transcript NM_152703.5 (MANE Select); coding-DNA position 1280, A replaced by G.
Protein change: p.Asn427Ser; replaces asparagine 427 with serine.
Molecular consequence: missense variant.
Genome position (GRCh38, 1-based): chr7:93,134,692, T>C on the plus strand (A>G on the coding strand, the complement: SAMD9L is on the minus strand). VCF-style: chr7-93134692-T-C. GRCh37 (hg19) VCF-style: chr7-92764005-T-C.
Other names: c.1280A>G, p.Asn427Ser (NM_001303496.3, NM_001303497.3, NM_001303498.3 and 5 more transcripts); short protein forms N427S.
Identifiers: ClinVar variation 5028986 (VCV005028986.1).